The following is an entry in ClinVar:

NM_000329.3(RPE65):c.235T>C (p.Tyr79His)

Gene: RPE65 (retinoid isomerohydrolase RPE65; minus strand). Cytogenetic location: 1p31.3.
Variant type: single nucleotide variant.
Coding change: c.235T>C on transcript NM_000329.3 (MANE Select); coding-DNA position 235, T replaced by C.
Protein change: p.Tyr79His; replaces tyrosine 79 with histidine.
Molecular consequence: missense variant.
Genome position (GRCh38, 1-based): chr1:68,446,720, A>G on the plus strand (T>C on the coding strand, the complement: RPE65 is on the minus strand). VCF-style: chr1-68446720-A-G. GRCh37 (hg19) VCF-style: chr1-68912403-A-G.
Other names: NM_000329.3(RPE65):c.235T>C; short protein forms Y79H.
Identifiers: ClinVar variation 98854 (VCV000098854.5), dbSNP rs61752869, ClinGen allele CA226528.
Genomic context (GRCh38, chr1:68,446,720, plus strand): 5'-AAGCTAGGCCCTACTTTGAGGAGGAGGAGTGGCATGGAGTGCTGCTTTACCTTCTGTGGT[A>G]TGTGACATGTCCTTCTTTAAAGTCAAACTTGTGCAGGAGGGCTTGCCCATCAAACAGGTG-3'
Protein context (NP_000320.1, residues 69-89): KFDFKEGHVT[Tyr79His]HRRFIRTDAY

ClinVar aggregate classification (germline): Likely pathogenic. Review status: reviewed by expert panel (3 of 4 stars). 3 submissions from 3 submitters: Likely pathogenic (1). 2 of the submissions do not count toward it. Last evaluated 2024-12-12.

Conditions:
RPE65-related recessive retinopathy. Also called: Recessive RPE65 retinopathy. Identifiers: MedGen CN305526, MONDO:0100368.
Leber congenital amaurosis 2 (LCA2). Also called: Autosomal Recessive RPE65-Related Retinal Degeneration; AMAUROSIS CONGENITA OF LEBER II. Identifiers: Orphanet 65, MedGen C1859844, MONDO:0008765, OMIM 204100. Disease mechanism: loss of function.
Retinitis pigmentosa 20 (RP20). Identifiers: Orphanet 791, MedGen C3151086, MONDO:0013425, OMIM 613794.

Allele frequency attached by ClinVar (database versions not stated): gnomAD 0.00001; gnomAD exomes below 0.00001; TOPMed below 0.00001.
gnomAD v4.1: 3 of 1,614,086 alleles (0.00019%); highest among the groups gnomAD compares: Non-Finnish European, 0.00025%; no homozygotes.

Submissions (3):

ClinGen Leber Congenital Amaurosis/early Onset Retinal Dystrophy Variant Curation Expert Panel, ClinGen
Classification: Likely pathogenic for RPE65-related recessive retinopathy. Last evaluated: 2024-12-12. Review status: reviewed by expert panel. Criteria: ClinGen LCAeoRD ACMG Specifications RPE65 V1.0.0. Collection method: curation. Allele origin: germline. Inheritance: Autosomal recessive inheritance.
Comment: The NM_000329.3(RPE65):c.235T>C (p.Tyr79His) variant is a missense variant in RPE65 causing a substitution of tyrosine with histidine at position 79. This variant is present in gnomAD v.4.1.0 at a Grpmax allele frequency of 6.800e-7, with 3 alleles / 1180040 total alleles in the European (non-Finnish) population, which is lower than the ClinGen LCA/eoRD VCEP PM2_Supporting threshold of <0.0002 (PM2_Supporting). The computational predictor REVEL gives a score of 0.946, which is above the ClinGen LCA/ oRD VCEP threshold of ≥ 0.773 and predicts a damaging effect on RPE65 function (PP3_Moderate). The variant exhibited 2.5% enzymatic activity in a retinoid isomerase assay relative to the wild-type control, which is lower than the ClinGen LCA/eoRD PS3_Supporting threshold of <10% activity, indicating that it triggers a severe defect in protein function (PS3_Supporting, PMID: 18599565). This variant has also been reported in at least 1 proband with early-onset severe retinal dystrophy who was compound heterozygous with the NM_000329.3(RPE65):c.74C>T (p.Pro25Leu) variant suspected in trans, which was previously classified pathogenic by the ClinGen LCA/eoRD VCEP (0.5 total points, VCEP member-provided data, PM3_Supporting). The Pro25Leu and Tyr79His variants have also been reported in the compound heterozygous state in probands in multiple publications, but were not counted as additional cases as these may represent the same individual as above (PMIDs: 22807296, 30268864). The Pro25Leu variant has also been reported in the compound heterozygous state with the Glu95Gln and the Asp482Gly variants, but these cases were not counted due to insufficient phenotype and/or to avoid circularity in curation (PMID: 22807296, 11095629, 30268864, 17525851). At least one proband harboring this variant exhibits a phenotype including diagnosis of rod-cone dystrophy with congenital onset (1 pt), reduced central visual acuity (1 pt) multifocal ERG below threshold, no fundus autofluorescence (2 pts), nyctalopia, fine dots in the fundus, OCT preserved with respect to vision loss (1 pt), and paramacular photoreceptor thinning (5 total points, VCEP-member provided data, PP4). In summary, this variant meets the criteria to be classified as Likely Pathogenic for RPE65-related recessive retinopathy based on the ACMG/AMP criteria applied, as specified by the ClinGen LCA/eoRD VCEP: PM2_Supporting, PP3_Moderate, PP4, PM3_Supporting, PS3_Supporting (VCEP specifications version 1.0.0; date of approval 09/21/2023).

Labcorp Genetics (formerly Invitae), Labcorp
Classification: Likely pathogenic for Leber congenital amaurosis 2; Retinitis pigmentosa 20. Last evaluated: 2023-10-25. Review status: criteria provided, single submitter. Criteria: Invitae Variant Classification Sherloc (09022015). Collection method: clinical testing. Allele origin: germline. Not counted in ClinVar's aggregate classification.
Comment: This sequence change replaces tyrosine, which is neutral and polar, with histidine, which is basic and polar, at codon 79 of the RPE65 protein (p.Tyr79His). This variant is not present in population databases (gnomAD no frequency). This missense change has been observed in individuals with autosomal recessive RPE65-related conditions (PMID: 11095629, 30268864). ClinVar contains an entry for this variant (Variation ID: 98854). Advanced modeling of protein sequence and biophysical properties (such as structural, functional, and spatial information, amino acid conservation, physicochemical variation, residue mobility, and thermodynamic stability) has been performed at Invitae for this missense variant, however the output from this modeling did not meet the statistical confidence thresholds required to predict the impact of this variant on RPE65 protein function. Experimental studies have shown that this missense change affects RPE65 function (PMID: 18599565). In summary, the currently available evidence indicates that the variant is pathogenic, but additional data are needed to prove that conclusively. Therefore, this variant has been classified as Likely Pathogenic.

Retina International
No classification provided. Review status: no classification provided. Collection method: not provided. Allele origin: not provided. Not counted in ClinVar's aggregate classification.

Literature cited by the submitters: PubMed 11095629 (cited by Labcorp Genetics (formerly Invitae), Labcorp); PubMed 30268864 (cited by Labcorp Genetics (formerly Invitae), Labcorp); PubMed 18599565 (cited by Labcorp Genetics (formerly Invitae), Labcorp).